The following is an entry in ClinVar:

NM_001232.4(CASQ2):c.737+14C>T

Gene: CASQ2 (calsequestrin 2; minus strand). Cytogenetic location: 1p13.1.
Variant type: single nucleotide variant.
Coding change: c.737+14C>T on transcript NM_001232.4 (MANE Select); 14 bases into the intron after coding-DNA position 737, C replaced by T.
Molecular consequence: intron variant.
Genome position (GRCh38, 1-based): chr1:115,726,978, G>A on the plus strand (C>T on the coding strand, the complement: CASQ2 is on the minus strand). VCF-style: chr1-115726978-G-A. GRCh37 (hg19) VCF-style: chr1-116269599-G-A.
Identifiers: ClinVar variation 2048925 (VCV002048925.4), dbSNP rs2464892607, ClinGen allele CA2580060844.
Genomic context (GRCh38, chr1:115,726,978, plus strand): 5'-AATGTTAGCACAGAGAGGCTCCTCTCCATTCCCCAGACCCCAGGCCCCCAGCCCCCACAT[G>A]CCATCTCAGGCACCTTTGGTGTTCCTTCACAAACTCCACCAGCTCCTCTTCTGTGTAAGG-3'

ClinVar aggregate classification (germline): Uncertain significance (1 of 4 stars; one submission).

Conditions:
Catecholaminergic polymorphic ventricular tachycardia 1. Also called: VENTRICULAR TACHYCARDIA, CATECHOLAMINERGIC POLYMORPHIC, 1, WITH OR WITHOUT ATRIAL DYSFUNCTION AND/OR DILATED CARDIOMYOPATHY; RYR2-Related Catecholaminergic Polymorphic Ventricular Tachycardia; VENTRICULAR TACHYCARDIA, STRESS-INDUCED POLYMORPHIC 1. Identifiers: Orphanet 3286, MedGen C1631597, MONDO:0011484, OMIM 604772.

Submission:

Labcorp Genetics (formerly Invitae), Labcorp
Classification: Uncertain significance for Catecholaminergic polymorphic ventricular tachycardia 1. Last evaluated: 2021-12-19. Review status: criteria provided, single submitter. Criteria: Invitae Variant Classification Sherloc (09022015). Collection method: clinical testing. Allele origin: germline.
Comment: This variant has not been reported in the literature in individuals affected with CASQ2-related conditions. In summary, the available evidence is currently insufficient to determine the role of this variant in disease. Therefore, it has been classified as a Variant of Uncertain Significance. Algorithms developed to predict the effect of sequence changes on RNA splicing suggest that this variant may create or strengthen a splice site. This variant is not present in population databases (gnomAD no frequency). This sequence change falls in intron 6 of the CASQ2 gene. It does not directly change the encoded amino acid sequence of the CASQ2 protein.